The following is an entry in ClinVar:

ClinVar aggregate classification (germline): Uncertain significance (1 of 4 stars; one submission).

Conditions:
Hereditary cancer-predisposing syndrome. Also called: Hereditary Cancer Syndrome; Hereditary neoplastic syndrome; Neoplastic Syndromes, Hereditary; Tumor predisposition. Identifiers: Orphanet 140162, MedGen C0027672, MeSH D009386, MONDO:0015356.

Submission:

Ambry Genetics
Classification: Uncertain significance for Hereditary cancer-predisposing syndrome. Last evaluated: 2024-02-07. Review status: criteria provided, single submitter. Criteria: Ambry Variant Classification Scheme 2023. Collection method: clinical testing. Allele origin: germline.
Comment: The p.P151S variant (also known as c.451C>T), located in coding exon 2 of the CDKN2A gene, results from a C to T substitution at nucleotide position 451. The proline at codon 151 is replaced by serine, an amino acid with similar properties. This amino acid position is not well conserved in available vertebrate species. In addition, this alteration is predicted to be tolerated by in silico analysis. Based on the available evidence, the clinical significance of this alteration remains unclear.

NM_000077.5(CDKN2A):c.451C>T (p.Pro151Ser)

Gene: CDKN2A (cyclin dependent kinase inhibitor 2A; minus strand). Cytogenetic location: 9p21.3.
Variant type: single nucleotide variant.
Coding change: c.451C>T on transcript NM_000077.5; coding-DNA position 451, C replaced by T.
Protein change: p.Pro151Ser; replaces proline 151 with serine.
Molecular consequence: missense variant (on NM_000077.6). On other transcripts: 3 prime UTR variant (2).
Genome position (GRCh38, 1-based): chr9:21,970,908, G>A on the plus strand (C>T on the coding strand, the complement: CDKN2A is on the minus strand). VCF-style: chr9-21970908-G-A. GRCh37 (hg19) VCF-style: chr9-21970907-G-A.
Other names: c.451C>T, p.Pro151Ser (NM_000077.6, NM_001195132.2); c.298C>T, p.Pro100Ser (NM_001363763.2); c.*95C>T (NM_058195.4); c.*374C>T (NM_058197.5); short protein forms P100S, P151S.
Identifiers: ClinVar variation 1741192 (VCV001741192.2), dbSNP rs2131091555, ClinGen allele CA373085815.